The following is an entry in ClinVar:

ClinVar aggregate classification (germline): Uncertain significance (1 of 4 stars; one submission).

Conditions:
Fanconi anemia (FA). Also called: Fanconi's anemia. Identifiers: Orphanet 84, MedGen C0015625, MeSH D005199, MONDO:0019391.

Submission:

Labcorp Genetics (formerly Invitae), Labcorp
Classification: Uncertain significance for Fanconi anemia. Last evaluated: 2021-12-07. Review status: criteria provided, single submitter. Criteria: Invitae Variant Classification Sherloc (09022015). Collection method: clinical testing. Allele origin: germline.
Comment: This sequence change replaces glutamic acid, which is acidic and polar, with alanine, which is neutral and non-polar, at codon 769 of the FANCI protein (p.Glu769Ala). This variant is not present in population databases (gnomAD no frequency). This variant has not been reported in the literature in individuals affected with FANCI-related conditions. Algorithms developed to predict the effect of missense changes on protein structure and function are either unavailable or do not agree on the potential impact of this missense change (SIFT: "Deleterious"; PolyPhen-2: "Possibly Damaging"; Align-GVGD: "Class C0"). In summary, the available evidence is currently insufficient to determine the role of this variant in disease. Therefore, it has been classified as a Variant of Uncertain Significance.

NM_001113378.2(FANCI):c.2306A>C (p.Glu769Ala)

Gene: FANCI (FA complementation group I; plus strand). Cytogenetic location: 15q26.1.
Variant type: single nucleotide variant.
Coding change: c.2306A>C on transcript NM_001113378.2 (MANE Select); coding-DNA position 2306, A replaced by C.
Protein change: p.Glu769Ala; replaces glutamic acid 769 with alanine.
Molecular consequence: missense variant.
Genome position (GRCh38, 1-based): chr15:89,293,847, A>C. VCF-style: chr15-89293847-A-C. GRCh37 (hg19) VCF-style: chr15-89837078-A-C.
Other names: c.2027A>C, p.Glu676Ala (NM_001376910.1); c.2306A>C, p.Glu769Ala (NM_001376911.1, NM_018193.3); short protein forms E676A, E769A.
Identifiers: ClinVar variation 2036987 (VCV002036987.1), dbSNP rs754091615, ClinGen allele CA393750024.